The following is an entry in ClinVar:

NM_000368.5(TSC1):c.1610A>G (p.His537Arg)

Gene: TSC1 (TSC complex subunit 1; minus strand). Cytogenetic location: 9q34.13.
Variant type: single nucleotide variant.
Coding change: c.1610A>G on transcript NM_000368.5 (MANE Select); coding-DNA position 1610, A replaced by G.
Protein change: p.His537Arg; replaces histidine 537 with arginine.
Molecular consequence: missense variant.
Genome position (GRCh38, 1-based): chr9:132,905,968, T>C on the plus strand (A>G on the coding strand, the complement: TSC1 is on the minus strand). VCF-style: chr9-132905968-T-C. GRCh37 (hg19) VCF-style: chr9-135781355-T-C.
Other names: c.1607A>G, p.His536Arg (NM_001162426.2); c.1457A>G, p.His486Arg (NM_001162427.2); c.1247A>G, p.His416Arg (NM_001362177.2); short protein forms H416R, H536R, H537R, H486R.
Identifiers: ClinVar variation 870967 (VCV000870967.42), dbSNP rs1845643427, ClinGen allele CA375364734.

ClinVar aggregate classification (germline): Uncertain significance. Review status: criteria provided, multiple submitters, no conflicts (2 of 4 stars). 2 submissions from 2 submitters: Uncertain significance (2). Last evaluated 2025-07-27.

Conditions:
Tuberous sclerosis 1 (TSC1). Identifiers: Orphanet 805, MedGen C1854465, MONDO:0008612, OMIM 191100.

Submissions (2):

Labcorp Genetics (formerly Invitae), Labcorp
Classification: Uncertain significance for Tuberous sclerosis 1. Last evaluated: 2025-07-27. Review status: criteria provided, single submitter. Criteria: Invitae Variant Classification Sherloc (09022015). Collection method: clinical testing. Allele origin: germline.
Comment: This sequence change replaces histidine, which is basic and polar, with arginine, which is basic and polar, at codon 537 of the TSC1 protein (p.His537Arg). This variant is not present in population databases (gnomAD no frequency). This variant has not been reported in the literature in individuals affected with TSC1-related conditions. ClinVar contains an entry for this variant (Variation ID: 870967). Invitae Evidence Modeling of protein sequence and biophysical properties (such as structural, functional, and spatial information, amino acid conservation, physicochemical variation, residue mobility, and thermodynamic stability) indicates that this missense variant is not expected to disrupt TSC1 protein function with a negative predictive value of 95%. In summary, the available evidence is currently insufficient to determine the role of this variant in disease. Therefore, it has been classified as a Variant of Uncertain Significance.

CeGaT Center for Human Genetics Tuebingen
Classification: Uncertain significance. Last evaluated: 2019-12-01. Review status: criteria provided, single submitter. Criteria: CeGaT Center For Human Genetics Tuebingen Variant Classification Criteria Version 2. Collection method: clinical testing. Allele origin: germline. Affected: yes. Observed: 1 variant allele.